The following is an entry in ClinVar:

ClinVar aggregate classification (germline): Likely benign (1 of 4 stars; one submission).

Allele frequency attached by ClinVar (database versions not stated): 1000 Genomes Project 0.00026; ExAC 0.00032; gnomAD 0.00037; ESP Exome Variant Server 0.00038; TOPMed 0.00040; 1000 Genomes Project 30x 0.00042.
gnomAD v4.1: 883 of 1,208,988 alleles (0.073%); highest among the groups gnomAD compares: Non-Finnish European, 0.093%; no homozygotes.

Submission:

CeGaT Center for Human Genetics Tuebingen
Classification: Likely benign. Last evaluated: 2023-03-01. Review status: criteria provided, single submitter. Criteria: CeGaT Center For Human Genetics Tuebingen Variant Classification Criteria Version 2. Collection method: clinical testing. Allele origin: germline. Affected: yes. Observed: 1 variant allele.
Comment: TAF9B: BS2

NM_015975.5(TAF9B):c.738T>C (p.Asp246=)

Gene: TAF9B (TATA-box binding protein associated factor 9b; minus strand). Cytogenetic location: Xq21.1.
Variant type: single nucleotide variant.
Coding change: c.738T>C on transcript NM_015975.5 (MANE Select); coding-DNA position 738, T replaced by C.
Protein change: p.Asp246=; no amino-acid change (aspartic acid 246 retained).
Molecular consequence: synonymous variant.
Genome position (GRCh38, 1-based): chrX:78,131,628, A>G on the plus strand (T>C on the coding strand, the complement: TAF9B is on the minus strand). VCF-style: chrX-78131628-A-G. GRCh37 (hg19) VCF-style: chrX-77387125-A-G.
Identifiers: ClinVar variation 2660968 (VCV002660968.24), dbSNP rs139539471, ClinGen allele CA10459883.
Genomic context (GRCh38, chrX:78,131,628, plus strand): 5'-CCAACTTTCCTTTTGAAATGCATCTAGACTAGACTATATTCCTTACATAATATCATTGTC[A>G]TCATCATCTTCATGTTTTCTCTTCAGTGGGTTTGCTTCATTGGCTGTGTTCTGTGACGAA-3'
Protein context (NP_057059.2, residues 236-251): NPLKRKHEDD[Asp246=]DNDIM